The following is an entry in ClinVar:

NM_001281740.3(FHOD3):c.1739A>G (p.Asn580Ser)

Gene: FHOD3 (formin homology 2 domain containing 3; plus strand). Cytogenetic location: 18q12.2.
Variant type: single nucleotide variant.
Coding change: c.1739A>G on transcript NM_001281740.3 (MANE Select); coding-DNA position 1739, A replaced by G.
Protein change: p.Asn580Ser; replaces asparagine 580 with serine.
Molecular consequence: missense variant.
Genome position (GRCh38, 1-based): chr18:36,658,092, A>G. VCF-style: chr18-36658092-A-G. GRCh37 (hg19) VCF-style: chr18-34238055-A-G.
Other names: c.1214A>G, p.Asn405Ser (NM_001281739.3, NM_025135.5); short protein forms N405S, N580S.
Identifiers: ClinVar variation 2648679 (VCV002648679.26), dbSNP rs138727664, ClinGen allele CA8941636.

ClinVar aggregate classification (germline): Benign/Likely benign. Review status: criteria provided, multiple submitters, no conflicts (2 of 4 stars). 3 submissions from 3 submitters: Benign (1); Likely benign (2). Last evaluated 2025-04-09.

Allele frequency attached by ClinVar (database versions not stated): gnomAD 0.00074; TOPMed 0.00088; ExAC 0.00105; ESP Exome Variant Server 0.00115.
gnomAD v4.1: 1,002 of 1,607,976 alleles (0.062%); highest among the groups gnomAD compares: Admixed American, 0.041%; 8 homozygotes.

Submissions (3):

Molecular Diagnostic Laboratory for Inherited Cardiovascular Disease, Montreal Heart Institute
Classification: Likely benign. Last evaluated: 2025-04-09. Review status: criteria provided, single submitter. Criteria: ACMG Guidelines, 2015. Collection method: clinical testing. Allele origin: germline. Affected: no.

Blueprint Genetics
Classification: Likely benign. Last evaluated: 2024-10-21. Review status: criteria provided, single submitter. Criteria: ACMG Guidelines, 2015. Collection method: clinical testing. Allele origin: germline.

CeGaT Center for Human Genetics Tuebingen
Classification: Benign. Last evaluated: 2023-04-01. Review status: criteria provided, single submitter. Criteria: CeGaT Center For Human Genetics Tuebingen Variant Classification Criteria Version 2. Collection method: clinical testing. Allele origin: germline. Affected: yes. Observed: 1 variant allele.
Comment: FHOD3: BP4, BS1, BS2